The following is an entry in ClinVar:

ClinVar aggregate classification (germline): Uncertain significance (1 of 4 stars; one submission).

Allele frequency attached by ClinVar (database versions not stated): gnomAD 0.00002; TOPMed 0.00005; ExAC 0.00007.
gnomAD v4.1: 7 of 1,539,730 alleles (0.00045%); highest among the groups gnomAD compares: African/African-American, 0.0082%; no homozygotes.

Submission:

Labcorp Genetics (formerly Invitae), Labcorp
Classification: Uncertain significance. Last evaluated: 2023-01-01. Review status: criteria provided, single submitter. Criteria: Invitae Variant Classification Sherloc (09022015). Collection method: clinical testing. Allele origin: germline.
Comment: In summary, the available evidence is currently insufficient to determine the role of this variant in disease. Therefore, it has been classified as a Variant of Uncertain Significance. Algorithms developed to predict the effect of sequence changes on RNA splicing suggest that this variant may disrupt the consensus splice site. This variant has not been reported in the literature in individuals affected with CDH3-related conditions. The frequency data for this variant in the population databases is considered unreliable, as metrics indicate poor data quality at this position in the gnomAD database. This sequence change falls in intron 1 of the CDH3 gene. It does not directly change the encoded amino acid sequence of the CDH3 protein.

NM_001793.6(CDH3):c.46-9C>A

Genes: CDH3 (cadherin 3; plus strand), CDH3-AS1 (CDH3 antisense RNA 1; minus strand). Cytogenetic location: 16q22.1.
Variant type: single nucleotide variant.
Coding change: c.46-9C>A on transcript NM_001793.6 (MANE Select); 9 bases into the intron before coding-DNA position 46, C replaced by A.
Molecular consequence: intron variant. On other transcripts: non-coding transcript variant (1).
Genome position (GRCh38, 1-based): chr16:68,645,627, C>A. VCF-style: chr16-68645627-C-A. GRCh37 (hg19) VCF-style: chr16-68679530-C-A.
Other names: c.-6+203C>A (NM_001317196.2); c.46-9C>A (NM_001317195.3).
Identifiers: ClinVar variation 2756260 (VCV002756260.3), dbSNP rs780889347, ClinGen allele CA8128924.
Genomic context (GRCh38, chr16:68,645,627, plus strand): 5'-GCGGTGTGGGGAGTGCAGGGCCGGGCACGCCTGGACCCAGCCTCCTTCACTCTCTGCCCT[C>A]GGGCGCAGGTTTGCTGGCTGCAGTGCGCGGCCTCCGAGCCGTGCCGGGCGGTCTTCAGGG-3'